The following is an entry in ClinVar:

ClinVar aggregate classification (germline): Uncertain significance (1 of 4 stars; one submission).

Conditions:
Hereditary cancer-predisposing syndrome. Also called: Tumor predisposition; Neoplastic Syndromes, Hereditary; Hereditary neoplastic syndrome; Hereditary Cancer Syndrome. Identifiers: Orphanet 140162, MedGen C0027672, MeSH D009386, MONDO:0015356.

Submission:

Ambry Genetics
Classification: Uncertain significance for Hereditary cancer-predisposing syndrome. Last evaluated: 2024-10-27. Review status: criteria provided, single submitter. Criteria: Ambry Variant Classification Scheme 2023. Collection method: clinical testing. Allele origin: germline.
Comment: The p.A447S variant (also known as c.1339G>T), located in coding exon 12 of the TSC2 gene, results from a G to T substitution at nucleotide position 1339. The alanine at codon 447 is replaced by serine, an amino acid with similar properties. This amino acid position is conserved. In addition, this alteration is predicted to be tolerated by in silico analysis. Based on the available evidence, the clinical significance of this variant remains unclear.

NM_000548.5(TSC2):c.1339G>T (p.Ala447Ser)

Gene: TSC2 (TSC complex subunit 2; plus strand). Cytogenetic location: 16p13.3.
Variant type: single nucleotide variant.
Coding change: c.1339G>T on transcript NM_000548.5 (MANE Select); coding-DNA position 1339, G replaced by T.
Protein change: p.Ala447Ser; replaces alanine 447 with serine.
Molecular consequence: missense variant. On other transcripts: 5 prime UTR variant (10), non-coding transcript variant (5).
Genome position (GRCh38, 1-based): chr16:2,062,578, G>T. VCF-style: chr16-2062578-G-T. GRCh37 (hg19) VCF-style: chr16-2112579-G-T.
Other names: c.1339G>T, p.Ala447Ser (NM_001077183.3, NM_001114382.3, NM_001363528.2 and 6 more transcripts); c.1228G>T, p.Ala410Ser (NM_001318827.2, NM_001406670.1, NM_001406678.1); c.1192G>T, p.Ala398Ser (NM_001318829.2, NM_001406675.1, NM_001406676.1 and 1 more transcripts); c.739G>T, p.Ala247Ser (NM_001318831.2, NM_001406680.1, NM_001406682.1 and 6 more transcripts); c.1372G>T, p.Ala458Ser (NM_001318832.2); c.1429G>T, p.Ala477Ser (NM_001406667.1, NM_001406668.1); c.1327G>T, p.Ala443Ser (NM_001406671.1, NM_001406673.1); c.1282G>T, p.Ala428Ser (NM_001406677.1); and 3 more; short protein forms A293S, A410S, A443S, A458S, A398S, A447S, A247S, A428S.
Identifiers: ClinVar variation 3462655 (VCV003462655.1).